The following is an entry in ClinVar:

ClinVar aggregate classification (germline): Uncertain significance. Review status: criteria provided, multiple submitters, no conflicts (2 of 4 stars). 2 submissions from 2 submitters: Uncertain significance (2). Last evaluated 2024-04-03.

Conditions:
Familial hypokalemia-hypomagnesemia (GTLMNS). Also called: HYPOMAGNESEMIA-HYPOKALEMIA, PRIMARY RENOTUBULAR, WITH HYPOCALCIURIA; POTASSIUM AND MAGNESIUM DEPLETION; gitelman syndrome. Identifiers: Orphanet 358, MedGen C0268450, MONDO:0009904, OMIM 263800.

Allele frequency attached by ClinVar (database versions not stated): TOPMed 0.00005; ExAC 0.00008; gnomAD 0.00003; gnomAD exomes 0.00003.
gnomAD v4.1: 41 of 1,613,328 alleles (0.0025%); highest among the groups gnomAD compares: Admixed American, 0.018%; no homozygotes.

Submissions (2):

Fulgent Genetics
Classification: Uncertain significance for Familial hypokalemia-hypomagnesemia. Last evaluated: 2024-04-03. Review status: criteria provided, single submitter. Criteria: ACMG Guidelines, 2015. Collection method: clinical testing. Allele origin: germline.

Labcorp Genetics (formerly Invitae), Labcorp
Classification: Uncertain significance. Last evaluated: 2021-10-11. Review status: criteria provided, single submitter. Criteria: Invitae Variant Classification Sherloc (09022015). Collection method: clinical testing. Allele origin: germline.
Comment: This sequence change replaces histidine with glutamine at codon 789 of the SLC12A3 protein (p.His789Gln). The histidine residue is highly conserved and there is a small physicochemical difference between histidine and glutamine. This variant is present in population databases (rs777228913, ExAC 0.04%). This variant has not been reported in the literature in individuals with SLC12A3-related disease. Algorithms developed to predict the effect of missense changes on protein structure and function do not agree on the potential impact of this missense change (SIFT: "Deleterious"; PolyPhen-2: "Benign"; Align-GVGD: "Class C0"). In summary, the available evidence is currently insufficient to determine the role of this variant in disease. Therefore, it has been classified as a Variant of Uncertain Significance.

NM_001126108.2(SLC12A3):c.2367C>G (p.His789Gln)

Gene: SLC12A3 (solute carrier family 12 member 3; plus strand). Cytogenetic location: 16q13.
Variant type: single nucleotide variant.
Coding change: c.2367C>G on transcript NM_001126108.2 (MANE Select); coding-DNA position 2367, C replaced by G.
Protein change: p.His789Gln; replaces histidine 789 with glutamine.
Molecular consequence: missense variant.
Genome position (GRCh38, 1-based): chr16:56,890,355, C>G. VCF-style: chr16-56890355-C-G. GRCh37 (hg19) VCF-style: chr16-56924267-C-G.
Other names: c.2367C>G, p.His789Gln (NM_000339.3); c.2364C>G, p.His788Gln (NM_001126107.2, NM_001410896.1); short protein forms H788Q, H789Q.
Identifiers: ClinVar variation 2075230 (VCV002075230.2), dbSNP rs777228913, ClinGen allele CA8069850.